The following is an entry in ClinVar:

NM_000334.4(SCN4A):c.4325T>A (p.Val1442Glu)

Genes: GH-LCR (growth hormone locus control region; plus strand), SCN4A (sodium voltage-gated channel alpha subunit 4; minus strand). Cytogenetic location: 17q23.3.
Variant type: single nucleotide variant.
Coding change: c.4325T>A on transcript NM_000334.4 (MANE Select); coding-DNA position 4325, T replaced by A.
Protein change: p.Val1442Glu; replaces valine 1442 with glutamic acid.
Molecular consequence: missense variant.
Genome position (GRCh38, 1-based): chr17:63,941,957, A>T on the plus strand (T>A on the coding strand, the complement: SCN4A is on the minus strand). VCF-style: chr17-63941957-A-T. GRCh37 (hg19) VCF-style: chr17-62019317-A-T.
Other names: short protein forms V1442E.
Identifiers: ClinVar variation 5914 (VCV000005914.5), dbSNP rs121908553, ClinGen allele CA117848.

ClinVar aggregate classification (germline): Uncertain significance. Review status: criteria provided, single submitter (1 of 4 stars). 3 submissions from 3 submitters: Uncertain significance (1). 2 of the submissions do not count toward it. Last evaluated 2025-10-16.

Conditions:
Congenital myasthenic syndrome (CMS). Also called: Congenital Myasthenic Syndromes. Identifiers: Orphanet 590, MedGen C0751882, MeSH D020294, MONDO:0018940.
Congenital myasthenic syndrome 16. Identifiers: Orphanet 590, MedGen C3280112, MONDO:0013620, OMIM 614198.
Hyperkalemic periodic paralysis. Also called: Gamstorp disease; Familial hyperkalemic periodic paralysis. Identifiers: Orphanet 682, MedGen C0238357, MONDO:0008224, OMIM 170500, HP:0007215.

Allele frequency attached by ClinVar (database versions not stated): gnomAD exomes below 0.00001.
gnomAD v4.1: 1 of 1,595,744 alleles (0.000063%); highest among the groups gnomAD compares: Non-Finnish European, 0.000086%; no homozygotes.

Submissions (3):

Labcorp Genetics (formerly Invitae), Labcorp
Classification: Uncertain significance for Hyperkalemic periodic paralysis. Last evaluated: 2025-10-16. Review status: criteria provided, single submitter. Criteria: Invitae Variant Classification Sherloc (09022015). Collection method: clinical testing. Allele origin: germline.
Comment: This sequence change replaces valine, which is neutral and non-polar, with glutamic acid, which is acidic and polar, at codon 1442 of the SCN4A protein (p.Val1442Glu). This variant is not present in population databases (gnomAD no frequency). This missense change has been observed in individual(s) with clinical features of myasthenic syndrome (PMID: 12766226). ClinVar contains an entry for this variant (Variation ID: 5914). Invitae Evidence Modeling of protein sequence and biophysical properties (such as structural, functional, and spatial information, amino acid conservation, physicochemical variation, residue mobility, and thermodynamic stability) has been performed for this missense variant. However, the output from this modeling did not meet the statistical confidence thresholds required to predict the impact of this variant on SCN4A protein function. Experimental studies have shown that this missense change affects SCN4A function (PMID: 12766226). In summary, the available evidence is currently insufficient to determine the role of this variant in disease. Therefore, it has been classified as a Variant of Uncertain Significance.

OMIM
Classification: Pathogenic for MYASTHENIC SYNDROME, CONGENITAL, 16. Last evaluated: 2003-06-10. Review status: no assertion criteria provided. Collection method: literature only. Allele origin: germline. Not counted in ClinVar's aggregate classification.

GeneReviews
No classification provided. Condition: Congenital myasthenic syndrome. Review status: no classification provided. Collection method: literature only. Allele origin: germline. Affected: yes. Not counted in ClinVar's aggregate classification.

Literature cited by the submitters: PubMed 12766226 (cited by 3 submitters); NCBI Bookshelf NBK1168 (cited by GeneReviews).